The following is an entry in ClinVar:

ClinVar aggregate classification (germline): Uncertain significance. Review status: criteria provided, multiple submitters, no conflicts (2 of 4 stars). 2 submissions from 2 submitters: Uncertain significance (2). Last evaluated 2025-10-21.

Conditions:
Inborn genetic diseases. Identifiers: MedGen C0950123, MeSH D030342.
Familial cold autoinflammatory syndrome 2 (FCAS2). Identifiers: Orphanet 247868, MedGen C2673198, MONDO:0012724, OMIM 611762.

gnomAD v4.1: 7 of 1,614,054 alleles (0.00043%); highest among the groups gnomAD compares: Admixed American, 0.0017%; no homozygotes.

Submissions (2):

Labcorp Genetics (formerly Invitae), Labcorp
Classification: Uncertain significance for Familial cold autoinflammatory syndrome 2. Last evaluated: 2025-10-21. Review status: criteria provided, single submitter. Criteria: Invitae Variant Classification Sherloc (09022015). Collection method: clinical testing. Allele origin: germline.
Comment: This sequence change replaces asparagine, which is neutral and polar, with threonine, which is neutral and polar, at codon 741 of the NLRP12 protein (p.Asn741Thr). This variant is present in population databases (no rsID available, gnomAD 0.003%). This variant has not been reported in the literature in individuals affected with NLRP12-related conditions. ClinVar contains an entry for this variant (Variation ID: 2278572). An algorithm developed to predict the effect of missense changes on protein structure and function (PolyPhen-2) suggests that this variant is likely to be tolerated. In summary, the available evidence is currently insufficient to determine the role of this variant in disease. Therefore, it has been classified as a Variant of Uncertain Significance.

Ambry Genetics
Classification: Uncertain significance for Inborn genetic diseases. Last evaluated: 2022-03-16. Review status: criteria provided, single submitter. Criteria: Ambry Variant Classification Scheme 2023. Collection method: clinical testing. Allele origin: germline.

NM_144687.4(NLRP12):c.2222A>C (p.Asn741Thr)

Gene: NLRP12 (NLR family pyrin domain containing 12; minus strand). Cytogenetic location: 19q13.42.
Variant type: single nucleotide variant.
Coding change: c.2222A>C on transcript NM_144687.4 (MANE Select); coding-DNA position 2222, A replaced by C.
Protein change: p.Asn741Thr; replaces asparagine 741 with threonine.
Molecular consequence: missense variant.
Genome position (GRCh38, 1-based): chr19:53,807,516, T>G on the plus strand (A>C on the coding strand, the complement: NLRP12 is on the minus strand). VCF-style: chr19-53807516-T-G. GRCh37 (hg19) VCF-style: chr19-54310770-T-G.
Other names: c.2225A>C, p.Asn742Thr (NM_001277126.2); c.2222A>C, p.Asn741Thr (NM_001277129.1); short protein forms N741T, N742T.
Identifiers: ClinVar variation 2278572 (VCV002278572.3), dbSNP rs548804330, ClinGen allele CA310067255.